The following is an entry in ClinVar:

NM_000384.3(APOB):c.8912A>C (p.Asn2971Thr)

Gene: APOB (apolipoprotein B; minus strand). Cytogenetic location: 2p24.1.
Variant type: single nucleotide variant.
Coding change: c.8912A>C on transcript NM_000384.3 (MANE Select); coding-DNA position 8912, A replaced by C.
Protein change: p.Asn2971Thr; replaces asparagine 2971 with threonine.
Molecular consequence: missense variant.
Genome position (GRCh38, 1-based): chr2:21,007,956, T>G on the plus strand (A>C on the coding strand, the complement: APOB is on the minus strand). VCF-style: chr2-21007956-T-G. GRCh37 (hg19) VCF-style: chr2-21230828-T-G.
Other names: short protein forms N2971T.
Identifiers: ClinVar variation 334117 (VCV000334117.71), dbSNP rs72653098, ClinGen allele CA066120.

ClinVar aggregate classification (germline): Conflicting classifications of pathogenicity. Review status: criteria provided, conflicting classifications (1 of 4 stars). 13 submissions from 12 submitters: Uncertain significance (2); Benign (1); Likely benign (7). 3 of the submissions do not count toward it. Last evaluated 2026-09-01.

Conditions:
Cardiovascular phenotype. Identifiers: MedGen CN230736.
Familial hypercholesterolemia. Also called: Familial hypercholesterolemias; Familial hypercholesterolaemia. Identifiers: MedGen C0020445, MONDO:0005439.
Hypercholesterolemia, autosomal dominant, type B (FHCL2). Also called: Hyperlipoproteinemia Type IIb; Familial hypercholesterolemia 2; APOB-Related Familial Hypercholesterolemia, Autosomal Dominant; HYPERCHOLESTEROLEMIA, FAMILIAL, DUE TO LIGAND-DEFECTIVE APOLIPOPROTEIN B; Familial Hypercholesterolemia Type B; APOLIPOPROTEIN B-100, FAMILIAL DEFECTIVE. Identifiers: MedGen C1704417, MONDO:0007751, OMIM 144010.
Familial hypobetalipoproteinemia 1. Also called: APOB-Related Familial Hypobetalipoproteinemia; Hypobetalipoproteinemia, normotriglyceridemic; Acanthocytosis with hypobetalipoproteinemia. Identifiers: MedGen C4551990, MONDO:0014252, OMIM 615558.
APOB-related disorder. Also called: APOB-related disorders; APOB-related condition.

Allele frequency attached by ClinVar (database versions not stated): ESP Exome Variant Server 0.00023; gnomAD 0.00026 and 0.00027; gnomAD exomes 0.00031 and 0.00041; ExAC 0.00037; TOPMed 0.00040.
gnomAD v4.1: 531 of 1,613,918 alleles (0.033%); highest among the groups gnomAD compares: Middle Eastern, 0.79%; 1 homozygote.

Submissions (13):

CeGaT Center for Human Genetics Tuebingen
Classification: Likely benign. Last evaluated: 2026-09-01. Review status: criteria provided, single submitter. Criteria: CeGaT Center For Human Genetics Tuebingen Variant Classification Criteria Version 2. Collection method: clinical testing. Allele origin: germline. Affected: yes. Observed: 27 variant alleles.
Comment: APOB: BP4

Cambridge Genomics Laboratory, East Genomic Laboratory Hub, NHS Genomic Medicine Service
Classification: Benign for Familial hypercholesterolaemia. Last evaluated: 2026-06-12. Review status: criteria provided, single submitter. Criteria: ACGS Best Practice Guidelines for Variant Classification in Rare Disease 2020. Collection method: clinical testing. Allele origin: germline. Affected: yes.

Labcorp Genetics (formerly Invitae), Labcorp
Classification: Likely benign for Familial hypobetalipoproteinemia 1; Hypercholesterolemia, autosomal dominant, type B. Last evaluated: 2026-01-26. Review status: criteria provided, single submitter. Criteria: Invitae Variant Classification Sherloc (09022015). Collection method: clinical testing. Allele origin: germline.

Quest Diagnostics Nichols Institute San Juan Capistrano
Classification: Likely benign. Last evaluated: 2025-04-30. Review status: criteria provided, single submitter. Criteria: Quest Diagnostics criteria. Collection method: clinical testing. Allele origin: unknown.

Molecular Diagnostic Laboratory for Inherited Cardiovascular Disease, Montreal Heart Institute
Classification: Likely benign. Last evaluated: 2025-04-09. Review status: criteria provided, single submitter. Criteria: ACMG Guidelines, 2015. Collection method: clinical testing. Allele origin: germline. Affected: no.

Blueprint Genetics
Classification: Likely benign. Last evaluated: 2024-11-25. Review status: criteria provided, single submitter. Criteria: ACMG Guidelines, 2015. Collection method: clinical testing. Allele origin: germline.

Ambry Genetics
Classification: Likely benign for Cardiovascular phenotype. Last evaluated: 2023-01-03. Review status: criteria provided, single submitter. Criteria: Ambry Variant Classification Scheme 2023. Collection method: clinical testing. Allele origin: germline.

GeneDx
Classification: Likely benign. Last evaluated: 2020-06-16. Review status: criteria provided, single submitter. Criteria: GeneDx Variant Classification Process June 2021. Collection method: clinical testing. Allele origin: germline. Affected: yes.
Comment: In silico analysis, which includes protein predictors and evolutionary conservation, supports that this variant does not alter protein structure/function; This variant is associated with the following publications: (PMID: 31980526)

Illumina Laboratory Services, Illumina
Classification: Uncertain significance for Hypercholesterolemia, autosomal dominant, type B. Last evaluated: 2018-01-13. Review status: criteria provided, single submitter. Criteria: ICSL Variant Classification Criteria 13 December 2019. Collection method: clinical testing. Allele origin: germline.

Illumina Laboratory Services, Illumina
Classification: Uncertain significance for Familial hypobetalipoproteinemia 1. Last evaluated: 2018-01-13. Review status: criteria provided, single submitter. Criteria: ICSL Variant Classification Criteria 13 December 2019. Collection method: clinical testing. Allele origin: germline.

PreventionGenetics, part of Exact Sciences
Classification: Likely benign for APOB-related condition. Last evaluated: 2019-11-06. Review status: no assertion criteria provided. Collection method: clinical testing. Allele origin: germline. Not counted in ClinVar's aggregate classification.
Comment: This variant is classified as likely benign based on ACMG/AMP sequence variant interpretation guidelines (Richards et al. 2015 PMID: 25741868, with internal and published modifications).

Clinical Genetics DNA and cytogenetics Diagnostics Lab, Erasmus MC, Erasmus Medical Center
Classification: Likely benign. Review status: no assertion criteria provided. Collection method: clinical testing. Allele origin: germline. Affected: yes. Study: VKGL Data-share Consensus. Not counted in ClinVar's aggregate classification.

Clinical Genetics, Academic Medical Center
Classification: Likely benign. Review status: no assertion criteria provided. Collection method: clinical testing. Allele origin: germline. Affected: yes. Study: VKGL Data-share Consensus. Not counted in ClinVar's aggregate classification.

Literature cited by the submitters: PubMed 35047021 (cited by Quest Diagnostics Nichols Institute San Juan Capistrano and Ambry Genetics); PubMed 31980526 (cited by Quest Diagnostics Nichols Institute San Juan Capistrano and Ambry Genetics); PubMed 37937776 (cited by Quest Diagnostics Nichols Institute San Juan Capistrano); PubMed 36555767 (cited by Quest Diagnostics Nichols Institute San Juan Capistrano); PubMed 36973604 (cited by Quest Diagnostics Nichols Institute San Juan Capistrano).